The following is an entry in ClinVar:

NM_145290.4(ADGRA3):c.913A>G (p.Ile305Val)

Gene: ADGRA3 (adhesion G protein-coupled receptor A3; minus strand). Cytogenetic location: 4p15.2.
Variant type: single nucleotide variant.
Coding change: c.913A>G on transcript NM_145290.4 (MANE Select); coding-DNA position 913, A replaced by G.
Protein change: p.Ile305Val; replaces isoleucine 305 with valine.
Molecular consequence: missense variant.
Genome position (GRCh38, 1-based): chr4:22,442,657, T>C on the plus strand (A>G on the coding strand, the complement: ADGRA3 is on the minus strand). VCF-style: chr4-22442657-T-C. GRCh37 (hg19) VCF-style: chr4-22444280-T-C.
Other names: short protein forms I305V.
Identifiers: ClinVar variation 4722252 (VCV004722252.1).

ClinVar aggregate classification (germline): Uncertain significance (1 of 4 stars; one submission).

gnomAD v4.1: 4 of 1,595,268 alleles (0.00025%); highest among the groups gnomAD compares: Admixed American, 0.0034%; no homozygotes.

Submission:

Labcorp Genetics (formerly Invitae), Labcorp
Classification: Uncertain significance. Last evaluated: 2025-06-27. Review status: criteria provided, single submitter. Criteria: Invitae Variant Classification Sherloc (09022015). Collection method: clinical testing. Allele origin: germline.
Comment: This sequence change replaces isoleucine, which is neutral and non-polar, with valine, which is neutral and non-polar, at codon 305 of the ADGRA3 protein (p.Ile305Val). This variant is present in population databases (rs753993728, gnomAD 0.004%). This variant has not been reported in the literature in individuals affected with ADGRA3-related conditions. An algorithm developed to predict the effect of missense changes on protein structure and function (PolyPhen-2) suggests that this variant is likely to be disruptive. In summary, the available evidence is currently insufficient to determine the role of this variant in disease. Therefore, it has been classified as a Variant of Uncertain Significance.